The following is an entry in ClinVar:

GRCh38/hg38 17p11.2(chr17:19601336-19632996)x1

Variant type: copy number loss.
Change: copy number 1 (one copy instead of two) of chr17:19,601,336-19,632,996 (31.7 kb, GRCh38 coordinates, 1-based), cytogenetic band 17p11.2.
Identifiers: ClinVar variation 145060 (VCV000145060.1).

ClinVar aggregate classification (germline): Benign/Likely benign (0 of 4 stars; one submission).

Submission:

GeneDx
Classification: Benign/Likely benign. Last evaluated: 2013-06-25. Review status: no assertion criteria provided. Collection method: clinical testing. Allele origin: not provided. Affected: yes. Observed: 35 variant alleles. Clinical features observed: Developmental delay AND/OR other significant developmental or morphological phenotypes.
Comment: Likely benign (4), Benign (32)